The following is an entry in ClinVar:

ClinVar aggregate classification (germline): Uncertain significance (1 of 4 stars; one submission).

gnomAD v4.1: 2 of 1,611,188 alleles (0.00012%); highest among the groups gnomAD compares: African/African-American, 0.0027%; no homozygotes.

Submission:

Ambry Genetics
Classification: Uncertain significance. Last evaluated: 2026-04-23. Review status: criteria provided, single submitter. Criteria: Ambry Variant Classification Scheme 2023. Collection method: clinical testing. Allele origin: germline.
Comment: The p.L155V variant (also known as c.463C>G), located in coding exon 5 of the RASA2 gene, results from a C to G substitution at nucleotide position 463. The leucine at codon 155 is replaced by valine, an amino acid with highly similar properties. This amino acid position is conserved. In addition, the in silico prediction for this alteration is inconclusive. Based on the available evidence, the clinical significance of this variant remains unclear.

NM_006506.5(RASA2):c.463C>G (p.Leu155Val)

Gene: RASA2 (RAS p21 protein activator 2; plus strand). Cytogenetic location: 3q23.
Variant type: single nucleotide variant.
Coding change: c.463C>G on transcript NM_006506.5 (MANE Select); coding-DNA position 463, C replaced by G.
Protein change: p.Leu155Val; replaces leucine 155 with valine.
Molecular consequence: missense variant.
Genome position (GRCh38, 1-based): chr3:141,540,545, C>G. VCF-style: chr3-141540545-C-G. GRCh37 (hg19) VCF-style: chr3-141259387-C-G.
Other names: c.463C>G, p.Leu155Val (NM_001303245.3, NM_001303246.3); short protein forms L155V.
Identifiers: ClinVar variation 4862989 (VCV004862989.1).